The following is an entry in ClinVar:

NM_000171.4(GLRA1):c.106A>G (p.Met36Val)

Gene: GLRA1 (glycine receptor alpha 1; minus strand). Cytogenetic location: 5q33.1.
Variant type: single nucleotide variant.
Coding change: c.106A>G on transcript NM_000171.4 (MANE Select); coding-DNA position 106, A replaced by G.
Protein change: p.Met36Val; replaces methionine 36 with valine.
Molecular consequence: missense variant. On other transcripts: intron variant (1).
Genome position (GRCh38, 1-based): chr5:151,892,389, T>C on the plus strand (A>G on the coding strand, the complement: GLRA1 is on the minus strand). VCF-style: chr5-151892389-T-C. GRCh37 (hg19) VCF-style: chr5-151271950-T-C.
Other names: c.106A>G, p.Met36Val (NM_001146040.2); c.-65-5601A>G (NM_001292000.2); short protein forms M36V.
Identifiers: ClinVar variation 930318 (VCV000930318.3), dbSNP rs1754101255, ClinGen allele CA361848017.

ClinVar aggregate classification (germline): Uncertain significance (1 of 4 stars; one submission).

Conditions:
Hyperekplexia 1 (STHE). Also called: HYPEREKPLEXIA 1, AUTOSOMAL DOMINANT; HYPEREKPLEXIA 1, AUTOSOMAL RECESSIVE; STARTLE DISEASE, FAMILIAL; STIFF-BABY SYNDROME; STIFF-MAN SYNDROME, CONGENITAL; STIFF-PERSON SYNDROME, CONGENITAL. Identifiers: Orphanet 3197, MedGen C4551954, MONDO:0007868, OMIM 149400.

Allele frequency attached by ClinVar (database versions not stated): gnomAD exomes below 0.00001.
gnomAD v4.1: 1 of 1,614,038 alleles (0.000062%); highest among the groups gnomAD compares: Non-Finnish European, 0.000085%; no homozygotes.

Submission:

Centre for Mendelian Genomics, University Medical Centre Ljubljana
Classification: Uncertain significance for Hyperekplexia 1. Last evaluated: 2016-01-01. Review status: criteria provided, single submitter. Criteria: ACMG Guidelines, 2015. Collection method: clinical testing. Allele origin: unknown. Affected: yes.
Comment: This variant was classified as: Uncertain significance. The following ACMG criteria were applied in classifying this variant: PM2,PP2,PP3.